The following is an entry in ClinVar:

ClinVar aggregate classification (germline): Benign. Review status: criteria provided, multiple submitters, no conflicts (2 of 4 stars). 3 submissions from 3 submitters: Benign (3). Last evaluated 2024-07-15.

Allele frequency attached by ClinVar (database versions not stated): 1000 Genomes Project 0.14077; 1000 Genomes Project 30x 0.14085; TOPMed 0.21246.
gnomAD v4.1: 436,709 of 1,480,286 alleles (30%); highest among the groups gnomAD compares: Non-Finnish European, 33%; 69,914 homozygotes.

Submissions (3):

Unidad de Genómica Garrahan, Hospital de Pediatría Garrahan
Classification: Benign. Last evaluated: 2024-07-15. Review status: criteria provided, single submitter. Criteria: ACMG Guidelines, 2015. Collection method: clinical testing. Allele origin: germline. Affected: no. Observed: 21 variant alleles.
Comment: This variant is classified as Benign based on local population frequency. This variant was detected in 23% of patients studied in a panel designed for Epileptic and Developmental Encephalopathy and Progressive Myoclonus Epilepsy. Number of patients: 21. Only high quality variants are reported.

GeneDx
Classification: Benign. Last evaluated: 2018-06-18. Review status: criteria provided, single submitter. Criteria: GeneDx Variant Classification (06012015). Collection method: clinical testing. Allele origin: germline. Affected: yes.
Comment: This variant is considered likely benign or benign based on one or more of the following criteria: it is a conservative change, it occurs at a poorly conserved position in the protein, it is predicted to be benign by multiple in silico algorithms, and/or has population frequency not consistent with disease.

Breakthrough Genomics
Classification: Benign. Review status: criteria provided, single submitter. Criteria: ACMG Guidelines, 2015. Collection method: not provided. Allele origin: germline. Inheritance: Autosomal recessive inheritance. Affected: yes.

NM_007327.4(GRIN1):c.672-106A>C

Gene: GRIN1 (glutamate ionotropic receptor NMDA type subunit 1; plus strand). Cytogenetic location: 9q34.3.
Variant type: single nucleotide variant.
Coding change: c.672-106A>C on transcript NM_007327.4 (MANE Select); 106 bases into the intron before coding-DNA position 672, A replaced by C.
Molecular consequence: intron variant.
Genome position (GRCh38, 1-based): chr9:137,156,563, A>C. VCF-style: chr9-137156563-A-C. GRCh37 (hg19) VCF-style: chr9-140051015-A-C.
Other names: c.735-106A>C (NM_001185090.2, NM_001185091.2); c.672-106A>C (NM_021569.4, NM_000832.7).
Identifiers: ClinVar variation 681801 (VCV000681801.4), dbSNP rs28507734, ClinGen allele CA12976569.